The following is an entry in ClinVar:

NM_003000.3(SDHB):c.347G>A (p.Arg116Lys)

Gene: SDHB (succinate dehydrogenase complex iron sulfur subunit B; minus strand). Cytogenetic location: 1p36.13.
Variant type: single nucleotide variant.
Coding change: c.347G>A on transcript NM_003000.3 (MANE Select); coding-DNA position 347, G replaced by A.
Protein change: p.Arg116Lys; replaces arginine 116 with lysine.
Molecular consequence: missense variant.
Genome position (GRCh38, 1-based): chr1:17,028,676, C>T on the plus strand (G>A on the coding strand, the complement: SDHB is on the minus strand). VCF-style: chr1-17028676-C-T. GRCh37 (hg19) VCF-style: chr1-17355171-C-T.
Other names: c.347G>A, p.Arg116Lys (NM_001407361.1); short protein forms R116K.
Identifiers: ClinVar variation 2117417 (VCV002117417.5), dbSNP rs777234785, ClinGen allele CA338274648.
Genomic context (GRCh38, chr1:17,028,676, plus strand): 5'-ATCACATACATGTGTGGAAGAGGGTAGATTTTTGAGACCTTATTGAGGTTGGTGTCAATC[C>T]TTCGGGTGCAAGCTAGAGTGTTGCCTCCATTGATGTTCATTGCACAAGAGCCACAGATGC-3'
Protein context (NP_002991.2, residues 106-126): NGGNTLACTR[Arg116Lys]IDTNLNKVSK

ClinVar aggregate classification (germline): Uncertain significance. Review status: criteria provided, multiple submitters, no conflicts (2 of 4 stars). 2 submissions from 2 submitters: Uncertain significance (2). Last evaluated 2024-08-13.

Conditions:
Hereditary pheochromocytoma and paraganglioma. Also called: Hereditary pheochromocytoma-paraganglioma; Hereditary Paraganglioma-Pheochromocytoma Syndromes; Hereditary paragangliomas and pheochromocytomas. Identifiers: Orphanet 29072, MedGen C4274332, MONDO:0017366.
Pheochromocytoma. Also called: MAX-Related Hereditary Paraganglioma-Pheochromocytoma Syndrome. Identifiers: Orphanet 29072, MedGen C0031511, MONDO:0008233, OMIM 171300, HP:0002666.
Pheochromocytoma/paraganglioma syndrome 4. Also called: CAROTID BODY TUMORS AND MULTIPLE EXTRAADRENAL PHEOCHROMOCYTOMAS; SDHB-Related Hereditary Paraganglioma-Pheochromocytoma Syndrome (Paragangliomas 4); SDHB-Related Hereditary Paraganglioma-Pheochromocytoma Syndrome; PARAGANGLIOMA, FAMILIAL MALIGNANT; PARAGANGLIOMAS, HEREDITARY EXTRAADRENAL; PHEOCHROMOCYTOMA, FAMILIAL EXTRAADRENAL. Identifiers: Orphanet 29072, MedGen C1861848, MONDO:0007273, OMIM 115310.
Gastrointestinal stromal tumor. Also called: Gastrointestinal stroma tumor; Gastrointestinal stromal tumor, somatic. Identifiers: Orphanet 44890, MedGen C0238198, MeSH D046152, MONDO:0011719, OMIM 606764, HP:0100723.

Submissions (2):

All of Us Research Program, National Institutes of Health
Classification: Uncertain significance for Hereditary pheochromocytoma and paraganglioma. Last evaluated: 2024-08-13. Review status: criteria provided, single submitter. Criteria: ACMG Guidelines, 2015. Collection method: clinical testing. Allele origin: germline. Inheritance: Autosomal dominant inheritance. Observed: 1 variant allele, 1 heterozygote.
Comment: This missense variant replaces arginine with lysine at codon 116 of the SDHB protein. Computational prediction suggests that this variant may not impact protein structure and function (internally defined REVEL score threshold <= 0.5, PMID: 27666373). To our knowledge, functional studies have not been reported for this variant. This variant has not been reported in individuals affected with SDHB-related disorders in the literature. This variant has not been identified in the general population by the Genome Aggregation Database (gnomAD). The available evidence is insufficient to determine the role of this variant in disease conclusively. Therefore, this variant is classified as a Variant of Uncertain Significance.

This study involves interpretation of variants in research participants for the purpose of population health screening. Participant phenotype was not available at the time of variant classification. Additional details can be found in publication PMID: 35346344, PMCID: PMC8962531

Labcorp Genetics (formerly Invitae), Labcorp
Classification: Uncertain significance for Gastrointestinal stromal tumor; Pheochromocytoma/paraganglioma syndrome 4; Pheochromocytoma. Last evaluated: 2022-03-26. Review status: criteria provided, single submitter. Criteria: Invitae Variant Classification Sherloc (09022015). Collection method: clinical testing. Allele origin: germline.
Comment: In summary, the available evidence is currently insufficient to determine the role of this variant in disease. Therefore, it has been classified as a Variant of Uncertain Significance. Advanced modeling of protein sequence and biophysical properties (such as structural, functional, and spatial information, amino acid conservation, physicochemical variation, residue mobility, and thermodynamic stability) performed at Invitae indicates that this missense variant is not expected to disrupt SDHB protein function. This variant has not been reported in the literature in individuals affected with SDHB-related conditions. This variant is not present in population databases (gnomAD no frequency). This sequence change replaces arginine, which is basic and polar, with lysine, which is basic and polar, at codon 116 of the SDHB protein (p.Arg116Lys).